The following is an entry in ClinVar:

NM_001059.3(TACR3):c.-103T>C

Gene: TACR3 (tachykinin receptor 3; minus strand). Cytogenetic location: 4q24.
Variant type: single nucleotide variant.
Coding change: c.-103T>C on transcript NM_001059.3 (MANE Select); 103 bases upstream of the start codon, T replaced by C.
Molecular consequence: 5 prime UTR variant.
Genome position (GRCh38, 1-based): chr4:103,719,778, A>G on the plus strand (T>C on the coding strand, the complement: TACR3 is on the minus strand). VCF-style: chr4-103719778-A-G. GRCh37 (hg19) VCF-style: chr4-104640935-A-G.
Identifiers: ClinVar variation 347119 (VCV000347119.7), dbSNP rs3733632, ClinGen allele CA10617667.
Genomic context (GRCh38, chr4:103,719,778, plus strand): 5'-GCAGCCCAAGACGAGACTCCTCTGAAGTTCTTCTCTGCCTCCTGGTCACTTTGGTGCCGG[A>G]GTCTTCAGATAAGACTGGAAGCTGAAAGATACTGCAATCCCTGCTGGTTAGGGGATGCAG-3'

ClinVar aggregate classification (germline): Benign. Review status: criteria provided, multiple submitters, no conflicts (2 of 4 stars). 3 submissions from 3 submitters: Benign (3). Last evaluated 2018-06-14.

Conditions:
Hypogonadotropic hypogonadism 11 with or without anosmia (HH11). Also called: HYPOGONADOTROPIC HYPOGONADISM 11 WITHOUT ANOSMIA; TACR3-Related GnRH Deficiency. Identifiers: Orphanet 478, MedGen C3553844, MONDO:0013913, OMIM 614840.

Allele frequency attached by ClinVar (database versions not stated): gnomAD exomes 0.19053; gnomAD 0.33906 and 0.34326; TOPMed 0.35709; 1000 Genomes Project 0.42612; 1000 Genomes Project 30x 0.43145.
gnomAD v4.1: 301,321 of 1,453,798 alleles (21%); highest among the groups gnomAD compares: African/African-American, 74%; 44,865 homozygotes.

Submissions (3):

GeneDx
Classification: Benign. Last evaluated: 2018-06-14. Review status: criteria provided, single submitter. Criteria: GeneDx Variant Classification (06012015). Collection method: clinical testing. Allele origin: germline. Affected: yes.
Comment: This variant is considered likely benign or benign based on one or more of the following criteria: it is a conservative change, it occurs at a poorly conserved position in the protein, it is predicted to be benign by multiple in silico algorithms, and/or has population frequency not consistent with disease.

Illumina Laboratory Services, Illumina
Classification: Benign for Hypogonadotropic hypogonadism 11 with or without anosmia. Last evaluated: 2018-01-13. Review status: criteria provided, single submitter. Criteria: ICSL Variant Classification Criteria 13 December 2019. Collection method: clinical testing. Allele origin: germline.
Comment: This variant was observed in the ICSL laboratory as part of a predisposition screen in an ostensibly healthy population. It had not been previously curated by ICSL or reported in the Human Gene Mutation Database (HGMD: prior to June 1st, 2018), and was therefore a candidate for classification through an automated scoring system. Utilizing variant allele frequency, disease prevalence and penetrance estimates, and inheritance mode, an automated score was calculated to assess if this variant is too frequent to cause the disease. Based on the score and internal cut-off values, a variant classified as benign is not then subjected to further curation. The score for this variant resulted in a classification of benign for this disease.

Breakthrough Genomics
Classification: Benign. Review status: criteria provided, single submitter. Criteria: ACMG Guidelines, 2015. Collection method: not provided. Allele origin: germline. Inheritance: Autosomal recessive inheritance. Affected: yes.